The following is an entry in ClinVar:

ClinVar aggregate classification (germline): Pathogenic/Likely pathogenic. Review status: criteria provided, multiple submitters, no conflicts (2 of 4 stars). 6 submissions from 6 submitters: Pathogenic (3); Likely pathogenic (1). 2 of the submissions do not count toward it. Last evaluated 2026-04-14.

Conditions:
Hereditary cancer-predisposing syndrome. Also called: Hereditary Cancer Syndrome; Neoplastic Syndromes, Hereditary; Tumor predisposition; Hereditary neoplastic syndrome. Identifiers: Orphanet 140162, MedGen C0027672, MeSH D009386, MONDO:0015356.
Ataxia-telangiectasia syndrome (AT). Also called: Cerebello-oculocutaneous telangiectasia; Immunodeficiency with ataxia telangiectasia; Ataxia-telangiectasia, complementation group E; Ataxia-telangiectasia, complementation group D; AT, COMPLEMENTATION GROUP C; ATAXIA-TELANGIECTASIA, COMPLEMENTATION GROUP A. Identifiers: Orphanet 100, MedGen C0004135, MONDO:0008840, OMIM 208900.
Malignant tumor of urinary bladder. Also called: Bladder cancer; Urinary bladder cancer; Urinary Bladder Neoplasms. Identifiers: MedGen C0005684, MONDO:0001187, OMIM 109800.
Familial cancer of breast. Also called: BREAST CANCER, FAMILIAL; Hereditary breast cancer; hereditary breast carcinoma. Identifiers: Orphanet 227535, MedGen C0346153, MONDO:0016419, OMIM 114480. Disease mechanism: loss of function.

Submissions (6):

Ambry Genetics
Classification: Likely pathogenic for Hereditary cancer-predisposing syndrome. Last evaluated: 2026-04-14. Review status: criteria provided, single submitter. Criteria: Ambry Variant Classification Scheme 2023. Collection method: clinical testing. Allele origin: germline.
Comment: The p.Q3037* variant (also known as c.9109C>T), located in coding exon 62 of the ATM gene, results from a C to T substitution at nucleotide position 9109. This changes the amino acid from a glutamine to a stop codon within coding exon 62. This variant occurs at the 3' terminus of the gene, is not expected to trigger nonsense-mediated mRNA decay, and impacts the last 20 amino acids of the protein. However, premature stop codons are typically deleterious in nature and the impacted region is critical for protein function (Ambry internal data). This variant is considered to be rare based on population cohorts in the Genome Aggregation Database (gnomAD). Based on the majority of available evidence to date, this variant is likely to be pathogenic.

Labcorp Genetics (formerly Invitae), Labcorp
Classification: Pathogenic for Ataxia-telangiectasia syndrome. Last evaluated: 2024-04-10. Review status: criteria provided, single submitter. Criteria: Invitae Variant Classification Sherloc (09022015). Collection method: clinical testing. Allele origin: germline.
Comment: This sequence change creates a premature translational stop signal (p.Gln3037*) in the ATM gene. While this is not anticipated to result in nonsense mediated decay, it is expected to disrupt the last 20 amino acid(s) of the ATM protein. This variant is not present in population databases (gnomAD no frequency). This variant has not been reported in the literature in individuals affected with ATM-related conditions. ClinVar contains an entry for this variant (Variation ID: 557378). This variant disrupts a region of the ATM protein in which other variant(s) (p.Arg3047*) have been determined to be pathogenic (PMID: 8755918, 10980530, 18560558, 19431188, 19691550, 26628246). This suggests that this is a clinically significant region of the protein, and that variants that disrupt it are likely to be disease-causing. For these reasons, this variant has been classified as Pathogenic.

Color Diagnostics, LLC DBA Color Health
Classification: Pathogenic for Hereditary cancer-predisposing syndrome. Last evaluated: 2024-02-27. Review status: criteria provided, single submitter. Criteria: ACMG Guidelines, 2015. Collection method: clinical testing. Allele origin: germline.
Comment: This variant changes 1 nucleotide in the last exon of the ATM gene, creating a premature translation stop signal. While this variant is not expected to undergo nonsense-mediated mRNA decay, this variant is expected to disrupt the FATKIN domain and result in a non-functional protein product. This variant has been reported in an individual affected with breast cancer (PMID: 29522266). This variant has not been identified in the general population by the Genome Aggregation Database (gnomAD). A different downstream variant that results in a premature translation stop signal, c.9139C>T (p.Arg3047*), is a well-established pathogenic variant (ClinVar Variation ID: 3029). Loss of ATM function is a known mechanism of disease. Based on the available evidence, this variant is classified as Pathogenic.

Myriad Genetics, Inc.
Classification: Pathogenic for Familial cancer of breast. Last evaluated: 2024-02-06. Review status: criteria provided, single submitter. Criteria: Myriad Autosomal Dominant, Autosomal Recessive and X-Linked Classification Criteria (2023). Collection method: clinical testing. Allele origin: unknown.
Comment: This variant is considered pathogenic. This variant creates a termination codon and is predicted to result in premature protein truncation.

Counsyl
Classification: Likely pathogenic for Ataxia-telangiectasia syndrome. Last evaluated: 2018-03-22. Review status: no assertion criteria provided. Collection method: clinical testing. Allele origin: unknown. Not counted in ClinVar's aggregate classification.

Laboratory of Urology, Hospital Clinic de Barcelona
Classification: Pathogenic for Malignant tumor of urinary bladder. Review status: no assertion criteria provided. Collection method: research. Allele origin: somatic. Affected: yes. Not counted in ClinVar's aggregate classification.

Literature cited by the submitters: PubMed 8755918 (cited by Labcorp Genetics (formerly Invitae), Labcorp); PubMed 10980530 (cited by Labcorp Genetics (formerly Invitae), Labcorp); PubMed 18560558 (cited by Labcorp Genetics (formerly Invitae), Labcorp); PubMed 19431188 (cited by Labcorp Genetics (formerly Invitae), Labcorp); PubMed 19691550 (cited by Labcorp Genetics (formerly Invitae), Labcorp); PubMed 26628246 (cited by Labcorp Genetics (formerly Invitae), Labcorp); PubMed 29522266 (cited by Color Diagnostics, LLC DBA Color Health).

NM_000051.4(ATM):c.9109C>T (p.Gln3037Ter)

Genes: ATM (ATM serine/threonine kinase; plus strand), C11orf65 (chromosome 11 open reading frame 65; minus strand). Cytogenetic location: 11q22.3.
Variant type: single nucleotide variant.
Coding change: c.9109C>T on transcript NM_000051.4 (MANE Select); coding-DNA position 9109, C replaced by T.
Protein change: p.Gln3037Ter; replaces glutamine 3037 with a stop codon.
Molecular consequence: nonsense. On other transcripts: intron variant (2).
Genome position (GRCh38, 1-based): chr11:108,365,446, C>T. VCF-style: chr11-108365446-C-T. GRCh37 (hg19) VCF-style: chr11-108236173-C-T.
Other names: c.9109C>T, p.Gln3037Ter (NM_001351834.2); c.640+20474G>A (NM_001330368.2); c.694+20474G>A (NM_001351110.2); short protein forms Q3037*.
Identifiers: ClinVar variation 557378 (VCV000557378.8), dbSNP rs1555152009, ClinGen allele CA382531977.